The following is an entry in ClinVar:

ClinVar aggregate classification (germline): Uncertain significance (1 of 4 stars; one submission).

Allele frequency attached by ClinVar (database versions not stated): ExAC 0.00001.

Submission:

Labcorp Genetics (formerly Invitae), Labcorp
Classification: Uncertain significance. Last evaluated: 2022-10-07. Review status: criteria provided, single submitter. Criteria: Invitae Variant Classification Sherloc (09022015). Collection method: clinical testing. Allele origin: germline.
Comment: In summary, the available evidence is currently insufficient to determine the role of this variant in disease. Therefore, it has been classified as a Variant of Uncertain Significance. Advanced modeling of protein sequence and biophysical properties (such as structural, functional, and spatial information, amino acid conservation, physicochemical variation, residue mobility, and thermodynamic stability) performed at Invitae indicates that this missense variant is not expected to disrupt PTH1R protein function. This sequence change replaces threonine, which is neutral and polar, with alanine, which is neutral and non-polar, at codon 178 of the PTH1R protein (p.Thr178Ala). This variant is not present in population databases (gnomAD no frequency). This variant has not been reported in the literature in individuals affected with PTH1R-related conditions.

NM_000316.3(PTH1R):c.532A>G (p.Thr178Ala)

Gene: PTH1R (parathyroid hormone 1 receptor; plus strand). Cytogenetic location: 3p21.31.
Variant type: single nucleotide variant.
Coding change: c.532A>G on transcript NM_000316.3 (MANE Select); coding-DNA position 532, A replaced by G.
Protein change: p.Thr178Ala; replaces threonine 178 with alanine.
Molecular consequence: missense variant.
Genome position (GRCh38, 1-based): chr3:46,898,181, A>G. VCF-style: chr3-46898181-A-G. GRCh37 (hg19) VCF-style: chr3-46939671-A-G.
Other names: c.532A>G, p.Thr178Ala (NM_001184744.1); short protein forms T178A.
Identifiers: ClinVar variation 1721107 (VCV001721107.5), dbSNP rs746792584, ClinGen allele CA2359206.
Genomic context (GRCh38, chr3:46,898,181, plus strand): 5'-CCTGGGCACAACAGGACGTGGGCCAACTACAGCGAGTGTGTCAAATTTCTCACCAATGAG[A>G]CTCGTGAACGGGTGCGAGCCTTTCTCCTCCCCAACCTGACCAGGATAAATTCACTCCCAC-3'
Protein context (NP_000307.1, residues 168-188): SECVKFLTNE[Thr178Ala]REREVFDRLG